The following is an entry in ClinVar:

NM_001903.5(CTNNA1):c.163T>G (p.Ser55Ala)

Gene: CTNNA1 (catenin alpha 1; plus strand). Cytogenetic location: 5q31.2.
Variant type: single nucleotide variant.
Coding change: c.163T>G on transcript NM_001903.5 (MANE Select); coding-DNA position 163, T replaced by G.
Protein change: p.Ser55Ala; replaces serine 55 with alanine.
Molecular consequence: missense variant. On other transcripts: 5 prime UTR variant (1), intron variant (1).
Genome position (GRCh38, 1-based): chr5:138,783,234, T>G. VCF-style: chr5-138783234-T-G. GRCh37 (hg19) VCF-style: chr5-138118923-T-G.
Other names: c.163T>G, p.Ser55Ala (NM_001290307.3, NM_001323982.2, NM_001323983.1 and 3 more transcripts); c.-44T>G (NM_001290310.3); c.-9+1205T>G (NM_001290309.3); c.163T>G (NM_001903.2); short protein forms S55A.
Identifiers: ClinVar variation 1010688 (VCV001010688.7), dbSNP rs1755329623, ClinGen allele CA361477382.

ClinVar aggregate classification (germline): Uncertain significance. Review status: criteria provided, multiple submitters, no conflicts (2 of 4 stars). 2 submissions from 2 submitters: Uncertain significance (2). Last evaluated 2025-11-18.

Conditions:
Hereditary cancer-predisposing syndrome. Also called: Tumor predisposition; Hereditary neoplastic syndrome; Neoplastic Syndromes, Hereditary; Hereditary Cancer Syndrome. Identifiers: Orphanet 140162, MedGen C0027672, MeSH D009386, MONDO:0015356.

Allele frequency attached by ClinVar (database versions not stated): gnomAD exomes below 0.00001; TOPMed below 0.00001.
gnomAD v4.1: 2 of 1,614,120 alleles (0.00012%); highest among the groups gnomAD compares: Non-Finnish European, 0.00017%; no homozygotes.

Submissions (2):

Labcorp Genetics (formerly Invitae), Labcorp
Classification: Uncertain significance. Last evaluated: 2025-11-18. Review status: criteria provided, single submitter. Criteria: Invitae Variant Classification Sherloc (09022015). Collection method: clinical testing. Allele origin: germline.
Comment: This sequence change replaces serine, which is neutral and polar, with alanine, which is neutral and non-polar, at codon 55 of the CTNNA1 protein (p.Ser55Ala). This variant is not present in population databases (gnomAD no frequency). This variant has not been reported in the literature in individuals affected with CTNNA1-related conditions. ClinVar contains an entry for this variant (Variation ID: 1010688). Invitae Evidence Modeling of protein sequence and biophysical properties (such as structural, functional, and spatial information, amino acid conservation, physicochemical variation, residue mobility, and thermodynamic stability) indicates that this missense variant is expected to disrupt CTNNA1 protein function with a positive predictive value of 80%. In summary, the available evidence is currently insufficient to determine the role of this variant in disease. Therefore, it has been classified as a Variant of Uncertain Significance.

Ambry Genetics
Classification: Uncertain significance for Hereditary cancer-predisposing syndrome. Last evaluated: 2023-12-19. Review status: criteria provided, single submitter. Criteria: Ambry Variant Classification Scheme 2023. Collection method: clinical testing. Allele origin: germline.
Comment: The p.S55A variant (also known as c.163T>G), located in coding exon 2 of the CTNNA1 gene, results from a T to G substitution at nucleotide position 163. The serine at codon 55 is replaced by alanine, an amino acid with similar properties. This amino acid position is highly conserved in available vertebrate species. In addition, this alteration is predicted to be tolerated by in silico analysis. The evidence for this gene-disease relationship is limited; therefore, the clinical significance of this alteration is unclear.